The following is an entry in ClinVar:

ClinVar aggregate classification (germline): Conflicting classifications of pathogenicity. Review status: criteria provided, conflicting classifications (1 of 4 stars). 6 submissions from 6 submitters: Uncertain significance (1); Likely benign (4). 1 of the submissions does not count toward it. Last evaluated 2026-02-01.

Conditions:
Usher syndrome type 2A. Also called: USHER SYNDROME, TYPE IIA; RETINAL DISEASE IN USHER SYNDROME TYPE IIA, MODIFIER OF. Identifiers: Orphanet 231178, Orphanet 886, MedGen C1848634, MONDO:0010169, OMIM 276901.

Allele frequency attached by ClinVar (database versions not stated): gnomAD exomes 0.00003; gnomAD 0.00014 and 0.00015; ExAC 0.00002; TOPMed 0.00016; ESP Exome Variant Server 0.00023.
gnomAD v4.1: 63 of 1,613,740 alleles (0.0039%); highest among the groups gnomAD compares: African/African-American, 0.071%; no homozygotes.

Submissions (6):

Labcorp Genetics (formerly Invitae), Labcorp
Classification: Likely benign. Last evaluated: 2026-02-01. Review status: criteria provided, single submitter. Criteria: Invitae Variant Classification Sherloc (09022015). Collection method: clinical testing. Allele origin: germline.

Blueprint Genetics
Classification: Likely benign. Last evaluated: 2024-09-24. Review status: criteria provided, single submitter. Criteria: ACMG Guidelines, 2015. Collection method: clinical testing. Allele origin: germline.

GeneDx
Classification: Likely benign. Last evaluated: 2021-06-07. Review status: criteria provided, single submitter. Criteria: GeneDx Variant Classification Process June 2021. Collection method: clinical testing. Allele origin: germline. Affected: yes.

Eurofins Ntd Llc (ga)
Classification: Uncertain significance. Last evaluated: 2016-11-21. Review status: criteria provided, single submitter. Criteria: EGL Classification Definitions 2015. Collection method: clinical testing. Allele origin: germline. Observed: 1 variant allele, 1 heterozygote.

Laboratory for Molecular Medicine, Mass General Brigham Personalized Medicine
Classification: Likely benign. Last evaluated: 2010-09-16. Review status: criteria provided, single submitter. Criteria: LMM Criteria. Collection method: clinical testing. Allele origin: germline. Observed: 1 variant allele.
Comment: Thr530Thr in exon 9 of USH2A: This variant is not expected to have clinical sign ificance because it does not alter an amino acid residue and is not located near a splice junction.

Natera, Inc.
Classification: Likely benign for Usher syndrome type 2A. Last evaluated: 2020-11-02. Review status: no assertion criteria provided. Collection method: clinical testing. Allele origin: germline. Not counted in ClinVar's aggregate classification.

NM_206933.4(USH2A):c.1590A>T (p.Thr530=)

Gene: USH2A (usherin; minus strand). Cytogenetic location: 1q41.
Variant type: single nucleotide variant.
Coding change: c.1590A>T on transcript NM_206933.4 (MANE Select); coding-DNA position 1590, A replaced by T.
Protein change: p.Thr530=; no amino-acid change (threonine 530 retained).
Molecular consequence: synonymous variant.
Genome position (GRCh38, 1-based): chr1:216,321,937, T>A on the plus strand (A>T on the coding strand, the complement: USH2A is on the minus strand). VCF-style: chr1-216321937-T-A. GRCh37 (hg19) VCF-style: chr1-216495279-T-A.
Other names: c.1590A>T, p.Thr530= (NM_007123.6).
Identifiers: ClinVar variation 48470 (VCV000048470.23), dbSNP rs144343161, ClinGen allele CA143413.